The following is an entry in ClinVar:

ClinVar aggregate classification (germline): Uncertain significance. Review status: criteria provided, multiple submitters, no conflicts (2 of 4 stars). 2 submissions from 2 submitters: Uncertain significance (2). Last evaluated 2025-11-12.

Conditions:
Congenital contractural arachnodactyly (CCA). Also called: BEALS SYNDROME; Beals-Hecht syndrome; Arthrogryposis, distal, type 9. Identifiers: Orphanet 115, MedGen C0220668, MONDO:0007363, OMIM 121050.

Allele frequency attached by ClinVar (database versions not stated): TOPMed below 0.00001.

Submissions (2):

Labcorp Genetics (formerly Invitae), Labcorp
Classification: Uncertain significance for Congenital contractural arachnodactyly. Last evaluated: 2025-11-12. Review status: criteria provided, single submitter. Criteria: Invitae Variant Classification Sherloc (09022015). Collection method: clinical testing. Allele origin: germline.
Comment: This sequence change replaces serine, which is neutral and polar, with asparagine, which is neutral and polar, at codon 676 of the FBN2 protein (p.Ser676Asn). This variant is not present in population databases (gnomAD no frequency). This variant has not been reported in the literature in individuals affected with FBN2-related conditions. ClinVar contains an entry for this variant (Variation ID: 1163843). Invitae Evidence Modeling of protein sequence and biophysical properties (such as structural, functional, and spatial information, amino acid conservation, physicochemical variation, residue mobility, and thermodynamic stability) indicates that this missense variant is not expected to disrupt FBN2 protein function with a negative predictive value of 80%. In summary, the available evidence is currently insufficient to determine the role of this variant in disease. Therefore, it has been classified as a Variant of Uncertain Significance.

Mayo Clinic Laboratories, Mayo Clinic
Classification: Uncertain significance. Last evaluated: 2020-06-11. Review status: criteria provided, single submitter. Criteria: ACMG Guidelines, 2015. Collection method: clinical testing. Allele origin: germline. Observed: 1 variant allele.

NM_001999.4(FBN2):c.2027G>A (p.Ser676Asn)

Gene: FBN2 (fibrillin 2; minus strand). Cytogenetic location: 5q23.3.
Variant type: single nucleotide variant.
Coding change: c.2027G>A on transcript NM_001999.4 (MANE Select); coding-DNA position 2027, G replaced by A.
Protein change: p.Ser676Asn; replaces serine 676 with asparagine.
Molecular consequence: missense variant.
Genome position (GRCh38, 1-based): chr5:128,374,696, C>T on the plus strand (G>A on the coding strand, the complement: FBN2 is on the minus strand). VCF-style: chr5-128374696-C-T. GRCh37 (hg19) VCF-style: chr5-127710389-C-T.
Other names: short protein forms S676N.
Identifiers: ClinVar variation 1163843 (VCV001163843.6), dbSNP rs930343991, ClinGen allele CA127022131.